The following is an entry in ClinVar:

NM_000152.5(GAA):c.1004_1005dup (p.Ile336fs)

Gene: GAA (alpha glucosidase; plus strand). Cytogenetic location: 17q25.3.
Variant type: Duplication.
Coding change: c.1004_1005dup on transcript NM_000152.5 (MANE Select); coding-DNA positions 1004 to 1005, 2 bases duplicated (GG; older notation c.1004_1005dupGG).
Protein change: p.Ile336fs; shifts the reading frame from isoleucine 336.
Molecular consequence: frameshift variant.
Genome position (GRCh38, 1-based): chr17:80,108,338-80,108,339, GG duplicated; duplicating any 2 consecutive bases within chr17:80,108,337-80,108,339 gives the same sequence; the c. name uses the placement nearest the transcript's 3' end. VCF-style (leftmost placement, unchanged base first): chr17-80108336-T-TGG. GRCh37 (hg19) VCF-style: chr17-78082135-T-TGG.
Other names: c.1004_1005dup, p.Ile336fs (NM_001079803.3, NM_001079804.3, NM_001406741.1 and 1 more transcripts); short protein forms I336fs.
Identifiers: ClinVar variation 4876559 (VCV004876559.2).

ClinVar aggregate classification (germline): Pathogenic. Review status: criteria provided, multiple submitters, no conflicts (2 of 4 stars). 2 submissions from 2 submitters: Pathogenic (2). Last evaluated 2026-07-01.

Conditions:
Glycogen storage disease, type II (IOPD). Also called: POMPE DISEASE, INFANTILE-ONSET; GLYCOGEN STORAGE DISEASE II, INFANTILE-ONSET; ACID ALPHA-GLUCOSIDASE DEFICIENCY, INFANTILE-ONSET; GAA DEFICIENCY, INFANTILE-ONSET; ACID MALTASE DEFICIENCY, INFANTILE-ONSET; Glucosidase acid-1,4-alpha deficiency. Identifiers: Orphanet 365, MedGen C0017921, MONDO:0009290, OMIM 232300.

Submissions (2):

Genomenon, Inc
Classification: Pathogenic for Glycogen storage disease, type II. Last evaluated: 2026-07-01. Review status: criteria provided, single submitter. Criteria: Genomenon Sequence Variant Interpretation Standards - Updated. Collection method: curation. Allele origin: germline. Affected: yes.
Comment: GAA p.Ile336GlyfsTer57 (c.1004_1005dup) is a frameshift variant that is predicted to introduce a premature termination codon and result in a truncated or absent protein product. This variant has been observed in at least one proband with a GAA-related disorder (PMID:22676651). It is absent or not present at a significant frequency in gnomAD. In conclusion, we classify GAA p.Ile336GlyfsTer57 (c.1004_1005dup) as a pathogenic variant.

Myriad Genetics, Inc.
Classification: Pathogenic for Glycogen storage disease, type II. Last evaluated: 2025-01-03. Review status: criteria provided, single submitter. Criteria: Myriad Autosomal Dominant, Autosomal Recessive and X-Linked Classification Criteria (2023). Collection method: clinical testing. Allele origin: unknown.
Comment: NM_000152.3(GAA):c.1004_1005dupGG(I336Gfs*57) is expected to be pathogenic in the context of Pompe disease. This variant is predicted to lead to an abnormal or absent protein product due to the creation of a premature termination codon in GAA, a gene where loss-of-function variants are known to be pathogenic. Please note: this variant was assessed in the context of healthy population screening.

Literature cited by the submitters: PubMed 22676651 (cited by Genomenon, Inc).